The following is an entry in ClinVar:

ClinVar aggregate classification (germline): Uncertain significance (1 of 4 stars; one submission).

Conditions:
Combined oxidative phosphorylation defect type 14. Also called: Combined oxidative phosphorylation deficiency 14. Identifiers: Orphanet 319519, MedGen C4755312, MONDO:0013986, OMIM 614946.

gnomAD v4.1: 10 of 1,614,018 alleles (0.00062%); highest among the groups gnomAD compares: Admixed American, 0.0083%; no homozygotes.

Submission:

Labcorp Genetics (formerly Invitae), Labcorp
Classification: Uncertain significance for Combined oxidative phosphorylation defect type 14. Last evaluated: 2025-11-05. Review status: criteria provided, single submitter. Criteria: Invitae Variant Classification Sherloc (09022015). Collection method: clinical testing. Allele origin: germline.
Comment: This sequence change replaces proline, which is neutral and non-polar, with leucine, which is neutral and non-polar, at codon 136 of the FARS2 protein (p.Pro136Leu). This variant is not present in population databases (gnomAD no frequency). This variant has not been reported in the literature in individuals affected with FARS2-related conditions. ClinVar contains an entry for this variant (Variation ID: 1485600). Invitae Evidence Modeling of protein sequence and biophysical properties (such as structural, functional, and spatial information, amino acid conservation, physicochemical variation, residue mobility, and thermodynamic stability) indicates that this missense variant is not expected to disrupt FARS2 protein function with a negative predictive value of 80%. In summary, the available evidence is currently insufficient to determine the role of this variant in disease. Therefore, it has been classified as a Variant of Uncertain Significance.

NM_006567.5(FARS2):c.407C>T (p.Pro136Leu)

Genes: FARS2 (phenylalanyl-tRNA synthetase 2, mitochondrial; plus strand), LOC126859565 (CDK7 strongly-dependent group 2 enhancer GRCh37_chr6:5368745-5369944; plus strand). Cytogenetic location: 6p25.1.
Variant type: single nucleotide variant.
Coding change: c.407C>T on transcript NM_006567.5 (MANE Select); coding-DNA position 407, C replaced by T.
Protein change: p.Pro136Leu; replaces proline 136 with leucine.
Molecular consequence: missense variant. On other transcripts: intron variant (2).
Genome position (GRCh38, 1-based): chr6:5,368,977, C>T. VCF-style: chr6-5368977-C-T. GRCh37 (hg19) VCF-style: chr6-5369210-C-T.
Other names: c.407C>T, p.Pro136Leu (NM_001318872.2, NM_001374875.1, NM_001374876.1 and 5 more transcripts); c.-340-27656C>T (NM_001375260.1); c.-84-35565C>T (NM_001375259.1); short protein forms P136L.
Identifiers: ClinVar variation 1485600 (VCV001485600.7), dbSNP rs199863563, ClinGen allele CA362735217.